The following is an entry in ClinVar:

NM_033124.5(DRC2):c.966dup (p.Val323fs)

Gene: DRC2 (dynein regulatory complex subunit 2; plus strand). Cytogenetic location: 12q13.12.
Variant type: Duplication.
Coding change: c.966dup on transcript NM_033124.5 (MANE Select); coding-DNA position 966, one base duplicated (A; older notation c.966dupA).
Protein change: p.Val323fs; shifts the reading frame from valine 323.
Molecular consequence: frameshift variant.
Genome position (GRCh38, 1-based): chr12:48,918,843, A duplicated. VCF-style (leftmost placement, unchanged base first): chr12-48918842-T-TA. GRCh37 (hg19) VCF-style: chr12-49312625-T-TA.
Other names: c.537dup, p.Val180fs (NM_001286957.2); short protein forms V180fs, V323fs.
Identifiers: ClinVar variation 3688873 (VCV003688873.2).

ClinVar aggregate classification (germline): Pathogenic (1 of 4 stars; one submission).

Conditions:
Primary ciliary dyskinesia 27. Also called: CILIARY DYSKINESIA, PRIMARY, 27, WITHOUT SITUS INVERSUS. Identifiers: Orphanet 244, MedGen C3809701, MONDO:0014215, OMIM 615504.

Submission:

Labcorp Genetics (formerly Invitae), Labcorp
Classification: Pathogenic for Primary ciliary dyskinesia 27. Last evaluated: 2024-04-02. Review status: criteria provided, single submitter. Criteria: Invitae Variant Classification Sherloc (09022015). Collection method: clinical testing. Allele origin: germline.
Comment: This sequence change creates a premature translational stop signal (p.Val323Serfs*8) in the CCDC65 gene. It is expected to result in an absent or disrupted protein product. Loss-of-function variants in CCDC65 are known to be pathogenic (PMID: 23991085, 24094744). This variant is present in population databases (no rsID available, gnomAD 0.002%). This variant has not been reported in the literature in individuals affected with CCDC65-related conditions. For these reasons, this variant has been classified as Pathogenic.

Literature cited by the submitters: PubMed 23991085; PubMed 24094744.